The following is an entry in ClinVar:

NM_014874.4(MFN2):c.1061T>C (p.Val354Ala)

Gene: MFN2 (mitofusin 2; plus strand). Cytogenetic location: 1p36.22.
Variant type: single nucleotide variant.
Coding change: c.1061T>C on transcript NM_014874.4 (MANE Select); coding-DNA position 1061, T replaced by C.
Protein change: p.Val354Ala; replaces valine 354 with alanine.
Molecular consequence: missense variant.
Genome position (GRCh38, 1-based): chr1:12,002,004, T>C. VCF-style: chr1-12002004-T-C. GRCh37 (hg19) VCF-style: chr1-12062061-T-C.
Other names: c.1061T>C, p.Val354Ala (NM_001127660.2); short protein forms V354A.
Identifiers: ClinVar variation 373126 (VCV000373126.8), dbSNP rs1057518235, ClinGen allele CA16042292.
Genomic context (GRCh38, chr1:12,002,004, plus strand): 5'-GTGGCCCCCACCTCCCTCCGTGCCTCTGTGTGTTCCAGGAGTGCATCTCCCAGTCTGCAG[T>C]GAAGACCAAGTTTGAGCAGCACACGGTCCGGGCCAAGCAGATTGCAGAGGCGGTTCGACT-3'
Protein context (NP_055689.1, residues 344-364): RFEECISQSA[Val354Ala]KTKFEQHTVR

ClinVar aggregate classification (germline): Uncertain significance. Review status: criteria provided, multiple submitters, no conflicts (2 of 4 stars). 2 submissions from 2 submitters: Uncertain significance (2). Last evaluated 2024-09-30.

Conditions:
Charcot-Marie-Tooth disease type 2. Also called: Charcot-Marie-Tooth type 2. Identifiers: Orphanet 64746, MedGen C0270914, MONDO:0018993.

Allele frequency attached by ClinVar (database versions not stated): TOPMed 0.00001; gnomAD exomes 0.00002.
gnomAD v4.1: 11 of 1,614,160 alleles (0.00068%); highest among the groups gnomAD compares: Non-Finnish European, 0.00051%; no homozygotes.

Submissions (2):

Labcorp Genetics (formerly Invitae), Labcorp
Classification: Uncertain significance for Charcot-Marie-Tooth disease type 2. Last evaluated: 2024-09-30. Review status: criteria provided, single submitter. Criteria: Invitae Variant Classification Sherloc (09022015). Collection method: clinical testing. Allele origin: germline.
Comment: This sequence change replaces valine, which is neutral and non-polar, with alanine, which is neutral and non-polar, at codon 354 of the MFN2 protein (p.Val354Ala). This variant is present in population databases (no rsID available, gnomAD 0.004%). This variant has not been reported in the literature in individuals affected with MFN2-related conditions. ClinVar contains an entry for this variant (Variation ID: 373126). Invitae Evidence Modeling of protein sequence and biophysical properties (such as structural, functional, and spatial information, amino acid conservation, physicochemical variation, residue mobility, and thermodynamic stability) indicates that this missense variant is expected to disrupt MFN2 protein function with a positive predictive value of 95%. In summary, the available evidence is currently insufficient to determine the role of this variant in disease. Therefore, it has been classified as a Variant of Uncertain Significance.

GeneDx
Classification: Uncertain significance. Last evaluated: 2016-11-30. Review status: criteria provided, single submitter. Criteria: GeneDx Variant Classification (06012015). Collection method: clinical testing. Allele origin: germline. Affected: yes.
Comment: The V354A variant in the MFN2 gene has not been reported previously as a pathogenic variant, nor as a benign variant, to our knowledge. This variant was not observed in approximately 6500 individuals of European and African American ancestry in the NHLBI Exome Sequencing Project, indicating it is not a common benign variant in these populations. The V354A variant is a conservative amino acid substitution, which is not likely to impact secondary protein structure as these residues share similar properties. This substitution occurs at a position that is conserved across species, and in silico analysis predicts this variant is probably damaging to the protein structure/function. We interpret V354A as a variant of uncertain significance.